The following is an entry in ClinVar:

ClinVar aggregate classification (germline): Uncertain significance (1 of 4 stars; one submission).

gnomAD v4.1: 24 of 1,612,344 alleles (0.0015%); highest among the groups gnomAD compares: African/African-American, 0.0027%; no homozygotes.

Submission:

Athena Diagnostics
Classification: Uncertain significance. Last evaluated: 2024-09-27. Review status: criteria provided, single submitter. Criteria: Athena Diagnostics Criteria. Collection method: clinical testing. Allele origin: unknown.
Comment: Available data are insufficient to determine the clinical significance of the variant at this time. The frequency of this variant in the general population is uninformative in assessment of its pathogenicity. Polyphen and MutationTaster predict this amino acid change may be benign.

NM_001278064.2(GRM1):c.1751G>A (p.Arg584His)

Gene: GRM1 (glutamate metabotropic receptor 1; plus strand). Cytogenetic location: 6q24.3.
Variant type: single nucleotide variant.
Coding change: c.1751G>A on transcript NM_001278064.2 (MANE Select); coding-DNA position 1751, G replaced by A.
Protein change: p.Arg584His; replaces arginine 584 with histidine.
Molecular consequence: missense variant.
Genome position (GRCh38, 1-based): chr6:146,398,790, G>A. VCF-style: chr6-146398790-G-A. GRCh37 (hg19) VCF-style: chr6-146719926-G-A.
Other names: c.1751G>A, p.Arg584His (NM_001278065.2, NM_001278066.1, NM_001278067.1); short protein forms R584H.
Identifiers: ClinVar variation 3571851 (VCV003571851.1).